The following is an entry in ClinVar:

NM_145246.5(FRA10AC1):c.328C>T (p.Arg110Ter)

Gene: FRA10AC1 (FRA10A associated CGG repeat 1; minus strand). Cytogenetic location: 10q23.33.
Variant type: single nucleotide variant.
Coding change: c.328C>T on transcript NM_145246.5 (MANE Select); coding-DNA position 328, C replaced by T.
Protein change: p.Arg110Ter; replaces arginine 110 with a stop codon.
Molecular consequence: nonsense. On other transcripts: non-coding transcript variant (1).
Genome position (GRCh38, 1-based): chr10:93,692,698, G>A on the plus strand (C>T on the coding strand, the complement: FRA10AC1 is on the minus strand). VCF-style: chr10-93692698-G-A. GRCh37 (hg19) VCF-style: chr10-95452455-G-A.
Other names: c.328C>T (NM_145246.4); c.328C>T, p.Arg110Ter (NM_001347712.2, NM_001347713.2, NM_001347714.2 and 1 more transcripts); short protein forms R110*.
Identifiers: ClinVar variation 1722516 (VCV001722516.6), dbSNP rs555127846, ClinGen allele CA5610842.

ClinVar aggregate classification (germline): Conflicting classifications of pathogenicity. Review status: criteria provided, conflicting classifications (1 of 4 stars). 5 submissions from 5 submitters: Pathogenic (1); Likely pathogenic (2); Uncertain significance (1). 1 of the submissions does not count toward it. Last evaluated 2026-03-05.

Conditions:
Neurodevelopmental disorder with growth retardation, dysmorphic facies, and corpus callosum abnormalities. Identifiers: MedGen C5774251, MONDO:0859312, OMIM 620113.

Allele frequency attached by ClinVar (database versions not stated): ExAC 0.00003; TOPMed 0.00004; gnomAD 0.00006; 1000 Genomes Project 30x 0.00016; 1000 Genomes Project 0.00020.

Submissions (5):

GeneDx
Classification: Likely pathogenic. Last evaluated: 2026-03-05. Review status: criteria provided, single submitter. Criteria: GeneDx Variant Classification Process June 2021. Collection method: clinical testing. Allele origin: germline.
Comment: Nonsense variant predicted to result in protein truncation or nonsense mediated decay in a gene for which loss of function is a known mechanism of disease; This variant is associated with the following publications: (PMID: 35871492, 41571908)

3billion
Classification: Pathogenic for Neurodevelopmental disorder with growth retardation, dysmorphic facies, and corpus callosum abnormalities. Last evaluated: 2025-10-16. Review status: criteria provided, single submitter. Criteria: ACMG Guidelines, 2015. Collection method: clinical testing. Allele origin: germline. Affected: yes.
Comment: The variant is observed at an extremely low frequency in the gnomAD v4.1.0 dataset (total allele frequency: 0.002%). Predicted Consequence/Location: Stop-gained (nonsense): predicted to result in a loss or disruption of normal protein function through nonsense-mediated decay (NMD) or protein truncation. Multiple pathogenic variants are reported downstream of the variant. The variant has been reported at least twice as pathogenic without evidence for the classification (ClinVar ID: VCV001722516 /PMID: 35871492 /3billion dataset). Therefore, this variant is classified as Pathogenic according to the recommendation of ACMG/AMP guideline.

Neuberg Centre For Genomic Medicine, NCGM
Classification: Likely pathogenic for Neurodevelopmental disorder with growth retardation, dysmorphic facies, and corpus callosum abnormalities. Last evaluated: 2024-02-01. Review status: criteria provided, single submitter. Criteria: ACMG Guidelines, 2015. Collection method: clinical testing. Allele origin: germline. Inheritance: Autosomal recessive inheritance.
Comment: The observed stop gained variant c.328C>T(p.Arg110Ter) in FRA10AC1 gene has been reported previously in two sisters born to consanguineous parents (Banka S et al,2022). No functional studies were performed. Loss of function variants have been reported (Von Elsner L, et al., 2022) but have not been established as a disease mechanism of action due to limited number of individuals reported. Hence variant is being classified as Likely Pathogenic

Blueprint Genetics
Classification: Uncertain significance. Last evaluated: 2022-02-05. Review status: criteria provided, single submitter. Criteria: ACMG Guidelines, 2015. Collection method: clinical testing. Allele origin: germline.

OMIM
Classification: Pathogenic for NEURODEVELOPMENTAL DISORDER WITH GROWTH RETARDATION, DYSMORPHIC FACIES, AND CORPUS CALLOSUM ABNORMALITIES. Last evaluated: 2022-11-04. Review status: no assertion criteria provided. Collection method: literature only. Allele origin: germline. Not counted in ClinVar's aggregate classification.

Literature cited by the submitters: PubMed 35871492 (cited by 3billion and OMIM).